The following is an entry in ClinVar:

NM_000091.5(COL4A3):c.828+1G>C

Genes: COL4A3 (collagen type IV alpha 3 chain; plus strand), MFF-DT (MFF divergent transcript; minus strand). Cytogenetic location: 2q36.3.
Variant type: single nucleotide variant.
Coding change: c.828+1G>C on transcript NM_000091.5 (MANE Select); the canonical splice donor site of the intron after coding-DNA position 828, G replaced by C.
Molecular consequence: splice donor variant.
Genome position (GRCh38, 1-based): chr2:227,254,175, G>C. VCF-style: chr2-227254175-G-C. GRCh37 (hg19) VCF-style: chr2-228118891-G-C.
Identifiers: ClinVar variation 1067784 (VCV001067784.7), dbSNP rs2125934710, ClinGen allele CA350866046.
Genomic context (GRCh38, chr2:227,254,175, plus strand): 5'-CTCAAGGGGGAAAAGGGAGACAAGGGAGCAATGGGCGAGCCTGGACCTCCTGGACCCTCA[G>C]TAGGTTATTTAAAGTTATATTGTCCCCATAACACATAAAGTAGAGCCTTAGTATTTACTT-3'

ClinVar aggregate classification (germline): Likely pathogenic (1 of 4 stars; one submission).

Submission:

Labcorp Genetics (formerly Invitae), Labcorp
Classification: Likely pathogenic. Last evaluated: 2024-09-21. Review status: criteria provided, single submitter. Criteria: Invitae Variant Classification Sherloc (09022015). Collection method: clinical testing. Allele origin: germline.
Comment: This sequence change affects a donor splice site in intron 14 of the COL4A3 gene. It is expected to disrupt RNA splicing. Variants that disrupt the donor or acceptor splice site typically lead to a loss of protein function (PMID: 16199547), and loss-of-function variants in COL4A3 are known to be pathogenic (PMID: 8956999, 24854265, 26809805, 27281700). This variant is not present in population databases (gnomAD no frequency). Disruption of this splice site has been observed in individual(s) with COL4A3-related conditions (PMID: 32488467). ClinVar contains an entry for this variant (Variation ID: 1067784). Algorithms developed to predict the effect of sequence changes on RNA splicing suggest that this variant may disrupt the consensus splice site. In summary, the currently available evidence indicates that the variant is pathogenic, but additional data are needed to prove that conclusively. Therefore, this variant has been classified as Likely Pathogenic.

Literature cited by the submitters: PubMed 16199547; PubMed 8956999; PubMed 24854265; PubMed 26809805; PubMed 27281700; PubMed 32488467.